The following is an entry in ClinVar:

NM_152722.5(HEPACAM):c.652A>G (p.Met218Val)

Gene: HEPACAM (hepatic and glial cell adhesion molecule; minus strand). Cytogenetic location: 11q24.2.
Variant type: single nucleotide variant.
Coding change: c.652A>G on transcript NM_152722.5 (MANE Select); coding-DNA position 652, A replaced by G.
Protein change: p.Met218Val; replaces methionine 218 with valine.
Molecular consequence: missense variant.
Genome position (GRCh38, 1-based): chr11:124,923,786, T>C on the plus strand (A>G on the coding strand, the complement: HEPACAM is on the minus strand). VCF-style: chr11-124923786-T-C. GRCh37 (hg19) VCF-style: chr11-124793682-T-C.
Other names: short protein forms M218V.
Identifiers: ClinVar variation 262681 (VCV000262681.20), dbSNP rs10790715, ClinGen allele CA6345697.

ClinVar aggregate classification (germline): Benign. Review status: criteria provided, multiple submitters, no conflicts (2 of 4 stars). 9 submissions from 8 submitters: Benign (9). Last evaluated 2026-02-04.

Conditions:
Megalencephalic leukoencephalopathy with subcortical cysts. Also called: VAN DER KNAAP DISEASE. Identifiers: Orphanet 2478, MedGen C1858854, MONDO:0011391.
Megalencephalic leukoencephalopathy with subcortical cysts 2A. Identifiers: Orphanet 2478, MedGen C3151355, MONDO:0013490, OMIM 613925.
Megalencephalic leukoencephalopathy with subcortical cysts 2B, remitting, with or without impaired intellectual development. Also called: Megalencephalic leukoencephalopathy with subcortical cysts 2B, remitting, with or without intellectual disability. Identifiers: Orphanet 2478, MedGen C3151356, MONDO:0013491, OMIM 613926.

Allele frequency attached by ClinVar (database versions not stated): gnomAD exomes 0.72211 and 0.70951; gnomAD 0.75887 and 0.75929; ExAC 0.72860; 1000 Genomes Project 30x 0.79294; 1000 Genomes Project 0.79393; ESP Exome Variant Server 0.75192; TOPMed 0.75463.
gnomAD v4.1: 1,153,409 of 1,613,966 alleles (71%); highest among the groups gnomAD compares: East Asian, 91%; 415,256 homozygotes.

Submissions (9):

Labcorp Genetics (formerly Invitae), Labcorp
Classification: Benign. Last evaluated: 2026-02-04. Review status: criteria provided, single submitter. Criteria: Invitae Variant Classification Sherloc (09022015). Collection method: clinical testing. Allele origin: germline.

Blueprint Genetics
Classification: Benign. Last evaluated: 2024-11-27. Review status: criteria provided, single submitter. Criteria: ACMG Guidelines, 2015. Collection method: clinical testing. Allele origin: germline.

Mayo Clinic Laboratories, Mayo Clinic
Classification: Benign. Last evaluated: 2022-03-24. Review status: criteria provided, single submitter. Criteria: ACMG Guidelines, 2015. Collection method: clinical testing. Allele origin: germline. Observed: 435 variant alleles.

Genome-Nilou Lab
Classification: Benign for Megalencephalic leukoencephalopathy with subcortical cysts 2A. Last evaluated: 2021-08-10. Review status: criteria provided, single submitter. Criteria: ACMG Guidelines, 2015. Collection method: clinical testing. Allele origin: germline. Affected: no.

Genome-Nilou Lab
Classification: Benign for Megalencephalic leukoencephalopathy with subcortical cysts 2B, remitting, with or without impaired intellectual development. Last evaluated: 2021-08-10. Review status: criteria provided, single submitter. Criteria: ACMG Guidelines, 2015. Collection method: clinical testing. Allele origin: germline. Affected: no.

GeneDx
Classification: Benign. Last evaluated: 2018-07-09. Review status: criteria provided, single submitter. Criteria: GeneDx Variant Classification Process June 2021. Collection method: clinical testing. Allele origin: germline. Affected: yes.

Illumina Laboratory Services, Illumina
Classification: Benign for Megalencephalic leukoencephalopathy with subcortical cysts. Last evaluated: 2018-01-13. Review status: criteria provided, single submitter. Criteria: ICSL Variant Classification Criteria 13 December 2019. Collection method: clinical testing. Allele origin: germline.
Comment: This variant was observed in the ICSL laboratory as part of a predisposition screen in an ostensibly healthy population. It had not been previously curated by ICSL or reported in the Human Gene Mutation Database (HGMD: prior to June 1st, 2018), and was therefore a candidate for classification through an automated scoring system. Utilizing variant allele frequency, disease prevalence and penetrance estimates, and inheritance mode, an automated score was calculated to assess if this variant is too frequent to cause the disease. Based on the score and internal cut-off values, a variant classified as benign is not then subjected to further curation. The score for this variant resulted in a classification of benign for this disease.

Breakthrough Genomics
Classification: Benign. Review status: criteria provided, single submitter. Criteria: ACMG Guidelines, 2015. Collection method: not provided. Allele origin: germline. Inheritance: Autosomal recessive inheritance. Affected: yes.

PreventionGenetics, part of Exact Sciences
Classification: Benign. Review status: criteria provided, single submitter. Criteria: ACMG Guidelines, 2015. Collection method: clinical testing. Allele origin: germline.